The following is an entry in ClinVar:

ClinVar aggregate classification (germline): Uncertain significance (1 of 4 stars; one submission).

Allele frequency attached by ClinVar (database versions not stated): gnomAD exomes below 0.00001.
gnomAD v4.1: 1 of 1,613,582 alleles (0.000062%); highest among the groups gnomAD compares: Non-Finnish European, 0.000085%; no homozygotes.

Submission:

GeneDx
Classification: Uncertain significance. Last evaluated: 2022-03-28. Review status: criteria provided, single submitter. Criteria: GeneDx Variant Classification Process June 2021. Collection method: clinical testing. Allele origin: germline. Affected: yes.
Comment: Not observed at significant frequency in large population cohorts (gnomAD); In silico analysis supports that this missense variant has a deleterious effect on protein structure/function; Has not been previously published as pathogenic or benign to our knowledge

NM_182961.4(SYNE1):c.17293C>T (p.Pro5765Ser)

Gene: SYNE1 (spectrin repeat containing nuclear envelope protein 1; minus strand). Cytogenetic location: 6q25.2.
Variant type: single nucleotide variant.
Coding change: c.17293C>T on transcript NM_182961.4 (MANE Select); coding-DNA position 17293, C replaced by T.
Protein change: p.Pro5765Ser; replaces proline 5765 with serine.
Molecular consequence: missense variant.
Genome position (GRCh38, 1-based): chr6:152,308,542, G>A on the plus strand (C>T on the coding strand, the complement: SYNE1 is on the minus strand). VCF-style: chr6-152308542-G-A. GRCh37 (hg19) VCF-style: chr6-152629677-G-A.
Other names: c.17080C>T, p.Pro5694Ser (NM_033071.5); short protein forms P5694S, P5765S.
Identifiers: ClinVar variation 1707887 (VCV001707887.2), dbSNP rs2552092368, ClinGen allele CA366105356.
Genomic context (GRCh38, chr6:152,308,542, plus strand): 5'-CTCTCACCTCATGCCGAGAAATCTGAGCCTGCAGCTCCTGTATGTTACTGGTGGCAACAG[G>A]TTTATCCTCAATCTCTCTGTGAGCTCCTTCTATCAGTTGCTGGAGATGTTTCATTTCTTG-3'
Protein context (NP_892006.3, residues 5755-5775): EGAHREIEDK[Pro5765Ser]VATSNIQELQ